The following is an entry in ClinVar:

NM_000525.4(KCNJ11):c.262A>G (p.Met88Val)

Gene: KCNJ11 (potassium inwardly rectifying channel subfamily J member 11; minus strand). Cytogenetic location: 11p15.1.
Variant type: single nucleotide variant.
Coding change: c.262A>G on transcript NM_000525.4 (MANE Select); coding-DNA position 262, A replaced by G.
Protein change: p.Met88Val; replaces methionine 88 with valine.
Molecular consequence: missense variant. On other transcripts: initiator codon variant (3).
Genome position (GRCh38, 1-based): chr11:17,387,830, T>C on the plus strand (A>G on the coding strand, the complement: KCNJ11 is on the minus strand). VCF-style: chr11-17387830-T-C. GRCh37 (hg19) VCF-style: chr11-17409377-T-C.
Other names: c.1A>G, p.Met1Val (NM_001166290.2, NM_001377296.1, NM_001377297.1); short protein forms M88V, M1V.
Identifiers: ClinVar variation 2100490 (VCV002100490.5), dbSNP rs756124560, ClinGen allele CA379775003.

ClinVar aggregate classification (germline): Uncertain significance (1 of 4 stars; one submission).

Allele frequency attached by ClinVar (database versions not stated): TOPMed below 0.00001; gnomAD 0.00001.

Submission:

Labcorp Genetics (formerly Invitae), Labcorp
Classification: Uncertain significance. Last evaluated: 2022-02-20. Review status: criteria provided, single submitter. Criteria: Invitae Variant Classification Sherloc (09022015). Collection method: clinical testing. Allele origin: germline.
Comment: This sequence change replaces methionine, which is neutral and non-polar, with valine, which is neutral and non-polar, at codon 88 of the KCNJ11 protein (p.Met88Val). This variant is present in population databases (no rsID available, gnomAD 0.01%). This variant has not been reported in the literature in individuals affected with KCNJ11-related conditions. Algorithms developed to predict the effect of missense changes on protein structure and function (SIFT, PolyPhen-2, Align-GVGD) all suggest that this variant is likely to be tolerated. In summary, the available evidence is currently insufficient to determine the role of this variant in disease. Therefore, it has been classified as a Variant of Uncertain Significance.